The following is an entry in ClinVar:

NM_000540.3(RYR1):c.6343G>A (p.Glu2115Lys)

Gene: RYR1 (ryanodine receptor 1; plus strand). Cytogenetic location: 19q13.2.
Variant type: single nucleotide variant.
Coding change: c.6343G>A on transcript NM_000540.3 (MANE Select); coding-DNA position 6343, G replaced by A.
Protein change: p.Glu2115Lys; replaces glutamic acid 2115 with lysine.
Molecular consequence: missense variant.
Genome position (GRCh38, 1-based): chr19:38,494,420, G>A. VCF-style: chr19-38494420-G-A. GRCh37 (hg19) VCF-style: chr19-38985060-G-A.
Other names: c.6343G>A, p.Glu2115Lys (NM_001042723.2); short protein forms E2115K.
Identifiers: ClinVar variation 329048 (VCV000329048.22), dbSNP rs147197176, ClinGen allele CA068140.
Genomic context (GRCh38, chr19:38,494,420, plus strand): 5'-CAGGAGCTGGTGTCCCACATGGTGGTGCGCTGGGCCCAAGAGGACTTCGTGCAGAGCCCC[G>A]AGCTGGTGCGGGCCATGTTCAGCCTCCTGCACCGGCAGTACGACGGGCTGGGTGAGCTGC-3'
Protein context (NP_000531.2, residues 2105-2125): WAQEDFVQSP[Glu2115Lys]LVRAMFSLLH

ClinVar aggregate classification (germline): Uncertain significance. Review status: criteria provided, multiple submitters, no conflicts (2 of 4 stars). 10 submissions from 8 submitters: Uncertain significance (10). Last evaluated 2025-09-23.

Conditions:
RYR1-related disorder. Also called: RYR1-related disorders; RYR1-related condition. Identifiers: MedGen CN239331.
Congenital multicore myopathy with external ophthalmoplegia (CMYO1B). Also called: MULTIMINICORE DISEASE WITH EXTERNAL OPHTHALMOPLEGIA; MULTICORE MYOPATHY; Congenital myopathy 1B, autosomal recessive; Minicore myopathy; Minicore myopathy with external ophthalmoplegia. Identifiers: Orphanet 598, Orphanet 98905, MedGen C1850674, MONDO:0009712, OMIM 255320, HP:0003789.
Central core myopathy (CMYO1A). Also called: CONGENITAL MYOPATHY 1A, AUTOSOMAL DOMINANT, WITH SUSCEPTIBILITY TO MALIGNANT HYPERTHERMIA; Central core disease; Myopathy, central fibrillar. Identifiers: Orphanet 597, MedGen C5830701, MONDO:0007294, OMIM 117000.
King Denborough syndrome (KDS). Identifiers: MedGen C1840365, MONDO:0020485, OMIM 619542.
Congenital myopathy with fiber type disproportion. Also called: Congenital fiber-type disproportion; Congenital fiber-type disproportion myopathy. Identifiers: Orphanet 2020, MedGen C0546264, MONDO:0009711. Inheritance: all.
Malignant hyperthermia, susceptibility to, 1 (MHS1). Also called: Anesthesia related hyperthermia; Malignant hyperpyrexia; Fulminating hyperpyrexia; Pharmacogenic myopathy; RYR1-Related Malignant Hyperthermia Susceptibility; Malignant hyperthermia suceptibility 1. Identifiers: Orphanet 423, MedGen C2930980, MONDO:0007783, OMIM 145600.

Allele frequency attached by ClinVar (database versions not stated): ExAC 0.00001; gnomAD exomes 0.00001 and 0.00002; TOPMed 0.00002; gnomAD 0.00003; ESP Exome Variant Server 0.00008.
gnomAD v4.1: 26 of 1,612,028 alleles (0.0016%); highest among the groups gnomAD compares: African/African-American, 0.004%; no homozygotes.

Submissions (10):

Women's Health and Genetics/Laboratory Corporation of America, LabCorp
Classification: Uncertain significance. Last evaluated: 2025-09-23. Review status: criteria provided, single submitter. Criteria: LabCorp Variant Classification Summary - May 2015. Collection method: clinical testing. Allele origin: germline.
Comment: Variant summary: RYR1 c.6343G>A (p.Glu2115Lys) results in a conservative amino acid change in the encoded protein sequence. Algorithms developed to predict the effect of missense changes on protein structure and function are either unavailable or do not agree on the potential impact of this missense change. The variant allele was found at a frequency of 2.4e-05 in 249712 control chromosomes. The available data on variant occurrences in the general population are insufficient to allow any conclusion about variant significance. To our knowledge, no occurrence of c.6343G>A in individuals affected with RYR1-related conditions and no experimental evidence demonstrating its impact on protein function have been reported. ClinVar contains an entry for this variant (Variation ID: 329048). Based on the evidence outlined above, the variant was classified as uncertain significance.

Labcorp Genetics (formerly Invitae), Labcorp
Classification: Uncertain significance for RYR1-related disorder. Last evaluated: 2025-06-20. Review status: criteria provided, single submitter. Criteria: Invitae Variant Classification Sherloc (09022015). Collection method: clinical testing. Allele origin: germline.
Comment: This sequence change replaces glutamic acid, which is acidic and polar, with lysine, which is basic and polar, at codon 2115 of the RYR1 protein (p.Glu2115Lys). This variant is present in population databases (rs147197176, gnomAD 0.006%). This variant has not been reported in the literature in individuals affected with RYR1-related conditions. ClinVar contains an entry for this variant (Variation ID: 329048). Invitae Evidence Modeling of protein sequence and biophysical properties (such as structural, functional, and spatial information, amino acid conservation, physicochemical variation, residue mobility, and thermodynamic stability) indicates that this missense variant is not expected to disrupt RYR1 protein function with a negative predictive value of 80%. In summary, the available evidence is currently insufficient to determine the role of this variant in disease. Therefore, it has been classified as a Variant of Uncertain Significance.

Blueprint Genetics
Classification: Uncertain significance. Last evaluated: 2024-09-03. Review status: criteria provided, single submitter. Criteria: ACMG Guidelines, 2015. Collection method: clinical testing. Allele origin: germline.

All of Us Research Program, National Institutes of Health
Classification: Uncertain significance for Malignant hyperthermia, susceptibility to, 1. Last evaluated: 2024-03-05. Review status: criteria provided, single submitter. Criteria: ACMG Guidelines, 2015. Collection method: clinical testing. Allele origin: germline. Inheritance: Autosomal dominant inheritance. Observed: 5 variant alleles, 5 heterozygotes.
Comment: This missense variant replaces glutamic acid with lysine at codon 2115 of the RYR1 protein. Computational prediction is inconclusive regarding the impact of this variant on protein structure and function (internally defined REVEL score threshold 0.5 < inconclusive < 0.7, PMID: 27666373). To our knowledge, functional studies have not been reported for this variant. This variant has not been reported in individuals affected with RYR1-related disorders in the literature. This variant has been identified in 7/281096 chromosomes in the general population by the Genome Aggregation Database (gnomAD). The available evidence is insufficient to determine the role of this variant in disease conclusively. Therefore, this variant is classified as a Variant of Uncertain Significance.

This study involves interpretation of variants in research participants for the purpose of population health screening. Participant phenotype was not available at the time of variant classification. Additional details can be found in publication PMID: 35346344, PMCID: PMC8962531

Color Diagnostics, LLC DBA Color Health
Classification: Uncertain significance for Malignant hyperthermia, susceptibility to, 1. Last evaluated: 2023-11-22. Review status: criteria provided, single submitter. Criteria: ACMG Guidelines, 2015. Collection method: clinical testing. Allele origin: germline.
Comment: This missense variant replaces glutamic acid with lysine at codon 2115 of the RYR1 protein. Computational prediction is inconclusive regarding the impact of this variant on protein structure and function. To our knowledge, functional studies have not been reported for this variant. This variant has not been reported in individuals affected with RYR1-related disorders in the literature. This variant has been identified in 7/281096 chromosomes in the general population by the Genome Aggregation Database (gnomAD). The available evidence is insufficient to determine the role of this variant in disease conclusively. Therefore, this variant is classified as a Variant of Uncertain Significance.

GeneDx
Classification: Uncertain significance. Last evaluated: 2023-06-15. Review status: criteria provided, single submitter. Criteria: GeneDx Variant Classification Process June 2021. Collection method: clinical testing. Allele origin: germline. Affected: yes.
Comment: Not observed at significant frequency in large population cohorts (gnomAD); In silico analysis supports that this missense variant has a deleterious effect on protein structure/function; Has not been previously published as pathogenic or benign to our knowledge; This variant is associated with the following publications: (PMID: 12668474, 33767344)

Fulgent Genetics
Classification: Uncertain significance for Central core myopathy; Malignant hyperthermia, susceptibility to, 1; Congenital myopathy 4A, autosomal dominant; Congenital multicore myopathy with external ophthalmoplegia; King Denborough syndrome. Last evaluated: 2021-10-05. Review status: criteria provided, single submitter. Criteria: ACMG Guidelines, 2015. Collection method: clinical testing. Allele origin: unknown.

Illumina Laboratory Services, Illumina
Classification: Uncertain significance for Congenital multicore myopathy with external ophthalmoplegia. Last evaluated: 2018-01-13. Review status: criteria provided, single submitter. Criteria: ICSL Variant Classification Criteria 13 December 2019. Collection method: clinical testing. Allele origin: germline.

Illumina Laboratory Services, Illumina
Classification: Uncertain significance for Malignant hyperthermia, susceptibility to, 1. Last evaluated: 2018-01-13. Review status: criteria provided, single submitter. Criteria: ICSL Variant Classification Criteria 13 December 2019. Collection method: clinical testing. Allele origin: germline.

Illumina Laboratory Services, Illumina
Classification: Uncertain significance for Central core myopathy. Last evaluated: 2018-01-13. Review status: criteria provided, single submitter. Criteria: ICSL Variant Classification Criteria 13 December 2019. Collection method: clinical testing. Allele origin: germline.